The following is an entry in ClinVar:

NM_206933.4(USH2A):c.8224-11T>A

Gene: USH2A (usherin; minus strand). Cytogenetic location: 1q41.
Variant type: single nucleotide variant.
Coding change: c.8224-11T>A on transcript NM_206933.4 (MANE Select); 11 bases into the intron before coding-DNA position 8224, T replaced by A.
Molecular consequence: intron variant.
Genome position (GRCh38, 1-based): chr1:215,879,109, A>T on the plus strand (T>A on the coding strand, the complement: USH2A is on the minus strand). VCF-style: chr1-215879109-A-T. GRCh37 (hg19) VCF-style: chr1-216052451-A-T.
Identifiers: ClinVar variation 2963017 (VCV002963017.3), dbSNP rs2464718432, ClinGen allele CA2574133228.

ClinVar aggregate classification (germline): Uncertain significance (1 of 4 stars; one submission).

Submission:

Labcorp Genetics (formerly Invitae), Labcorp
Classification: Uncertain significance. Last evaluated: 2024-03-16. Review status: criteria provided, single submitter. Criteria: Invitae Variant Classification Sherloc (09022015). Collection method: clinical testing. Allele origin: germline.
Comment: This sequence change falls in intron 41 of the USH2A gene. It does not directly change the encoded amino acid sequence of the USH2A protein. This variant is not present in population databases (gnomAD no frequency). This variant has not been reported in the literature in individuals affected with USH2A-related conditions. Algorithms developed to predict the effect of sequence changes on RNA splicing suggest that this variant may disrupt the consensus splice site. In summary, the available evidence is currently insufficient to determine the role of this variant in disease. Therefore, it has been classified as a Variant of Uncertain Significance.